The following is an entry in ClinVar:

ClinVar aggregate classification (germline): Likely benign. Review status: criteria provided, multiple submitters, no conflicts (2 of 4 stars). 3 submissions from 3 submitters: Likely benign (2). 1 of the submissions does not count toward it. Last evaluated 2025-06-01.

Conditions:
FLT4-related disorder. Also called: FLT4-related condition.

Allele frequency attached by ClinVar (database versions not stated): ExAC 0.00131; 1000 Genomes Project 0.00140; gnomAD 0.00154; 1000 Genomes Project 30x 0.00172; ESP Exome Variant Server 0.00177.
gnomAD v4.1: 1,451 of 1,614,070 alleles (0.09%); highest among the groups gnomAD compares: Middle Eastern, 1.2%; 4 homozygotes.

Submissions (3):

CeGaT Center for Human Genetics Tuebingen
Classification: Likely benign. Last evaluated: 2025-06-01. Review status: criteria provided, single submitter. Criteria: CeGaT Center For Human Genetics Tuebingen Variant Classification Criteria Version 2. Collection method: clinical testing. Allele origin: germline. Affected: yes. Observed: 1 variant allele.
Comment: FLT4: BP4, BS1

Blueprint Genetics
Classification: Likely benign. Last evaluated: 2024-10-26. Review status: criteria provided, single submitter. Criteria: ACMG Guidelines, 2015. Collection method: clinical testing. Allele origin: germline.

PreventionGenetics, part of Exact Sciences
Classification: Benign for FLT4-related condition. Last evaluated: 2019-07-02. Review status: no assertion criteria provided. Collection method: clinical testing. Allele origin: germline. Not counted in ClinVar's aggregate classification.
Comment: This variant is classified as benign based on ACMG/AMP sequence variant interpretation guidelines (Richards et al. 2015 PMID: 25741868, with internal and published modifications).

NM_182925.5(FLT4):c.4063G>A (p.Val1355Met)

Gene: FLT4 (fms related receptor tyrosine kinase 4; minus strand). Cytogenetic location: 5q35.3.
Variant type: single nucleotide variant.
Coding change: c.4063G>A on transcript NM_182925.5 (MANE Select); coding-DNA position 4063, G replaced by A.
Protein change: p.Val1355Met; replaces valine 1355 with methionine.
Molecular consequence: missense variant.
Genome position (GRCh38, 1-based): chr5:180,603,221, C>T on the plus strand (G>A on the coding strand, the complement: FLT4 is on the minus strand). VCF-style: chr5-180603221-C-T. GRCh37 (hg19) VCF-style: chr5-180030221-C-T.
Other names: short protein forms V1355M.
Identifiers: ClinVar variation 3042470 (VCV003042470.13), dbSNP rs143739828, ClinGen allele CA3605579.